The following is an entry in ClinVar:

NM_001270974.2(HYDIN):c.1993A>C (p.Thr665Pro)

Gene: HYDIN (HYDIN axonemal central pair apparatus protein; minus strand). Cytogenetic location: 16q22.2.
Variant type: single nucleotide variant.
Coding change: c.1993A>C on transcript NM_001270974.2 (MANE Select); coding-DNA position 1993, A replaced by C.
Protein change: p.Thr665Pro; replaces threonine 665 with proline.
Molecular consequence: missense variant.
Genome position (GRCh38, 1-based): chr16:71,067,372, T>G on the plus strand (A>C on the coding strand, the complement: HYDIN is on the minus strand). VCF-style: chr16-71067372-T-G. GRCh37 (hg19) VCF-style: chr16-71101275-T-G.
Other names: c.2074A>C, p.Thr692Pro (NM_001198542.1); c.2044A>C, p.Thr682Pro (NM_001198543.1); c.1993A>C, p.Thr665Pro (NM_017558.5); short protein forms T665P, T682P, T692P.
Identifiers: ClinVar variation 3025624 (VCV003025624.22), dbSNP rs2507361607, ClinGen allele CA396637510.

ClinVar aggregate classification (germline): Uncertain significance (1 of 4 stars; one submission).

Submission:

CeGaT Center for Human Genetics Tuebingen
Classification: Uncertain significance. Last evaluated: 2024-01-01. Review status: criteria provided, single submitter. Criteria: CeGaT Center For Human Genetics Tuebingen Variant Classification Criteria Version 2. Collection method: clinical testing. Allele origin: germline. Affected: yes. Observed: 1 variant allele.
Comment: HYDIN: PM2